The following is an entry in ClinVar:

NM_001099403.2(PRDM8):c.296A>G (p.Glu99Gly)

Genes: PRDM8 (PR/SET domain 8; plus strand), LOC126807094 (CDK7 strongly-dependent group 2 enhancer GRCh37_chr4:81121978-81123177; plus strand). Cytogenetic location: 4q21.21.
Variant type: single nucleotide variant.
Coding change: c.296A>G on transcript NM_001099403.2 (MANE Select); coding-DNA position 296, A replaced by G.
Protein change: p.Glu99Gly; replaces glutamic acid 99 with glycine.
Molecular consequence: missense variant.
Genome position (GRCh38, 1-based): chr4:80,201,366, A>G. VCF-style: chr4-80201366-A-G. GRCh37 (hg19) VCF-style: chr4-81122520-A-G.
Other names: c.296A>G, p.Glu99Gly (NM_020226.4); short protein forms E99G.
Identifiers: ClinVar variation 1435918 (VCV001435918.8), dbSNP rs943924560, ClinGen allele CA99998966.

ClinVar aggregate classification (germline): Uncertain significance (1 of 4 stars; one submission).

Conditions:
Early-onset Lafora body disease. Also called: Epilepsy, progressive myoclonic, 10. Identifiers: Orphanet 324290, MedGen C4225258, MONDO:0014717, OMIM 616640.

Allele frequency attached by ClinVar (database versions not stated): gnomAD 0.00001; gnomAD exomes 0.00001; TOPMed 0.00002.
gnomAD v4.1: 14 of 1,614,108 alleles (0.00087%); highest among the groups gnomAD compares: Middle Eastern, 0.082%; no homozygotes.

Submission:

Labcorp Genetics (formerly Invitae), Labcorp
Classification: Uncertain significance for Early-onset Lafora body disease. Last evaluated: 2022-02-05. Review status: criteria provided, single submitter. Criteria: Invitae Variant Classification Sherloc (09022015). Collection method: clinical testing. Allele origin: germline.
Comment: Algorithms developed to predict the effect of missense changes on protein structure and function are either unavailable or do not agree on the potential impact of this missense change (SIFT: "Deleterious"; PolyPhen-2: "Possibly Damaging"; Align-GVGD: "Class C15"). In summary, the available evidence is currently insufficient to determine the role of this variant in disease. Therefore, it has been classified as a Variant of Uncertain Significance. This variant is not present in population databases (gnomAD no frequency). This variant has not been reported in the literature in individuals affected with PRDM8-related conditions. This sequence change replaces glutamic acid, which is acidic and polar, with glycine, which is neutral and non-polar, at codon 99 of the PRDM8 protein (p.Glu99Gly).